The following is an entry in ClinVar:

NM_001005242.3(PKP2):c.1073G>A (p.Ser358Asn)

Gene: PKP2 (plakophilin 2; minus strand). Cytogenetic location: 12p11.21.
Variant type: single nucleotide variant.
Coding change: c.1073G>A on transcript NM_001005242.3 (MANE Select); coding-DNA position 1073, G replaced by A.
Protein change: p.Ser358Asn; replaces serine 358 with asparagine.
Molecular consequence: missense variant.
Genome position (GRCh38, 1-based): chr12:32,869,024, C>T on the plus strand (G>A on the coding strand, the complement: PKP2 is on the minus strand). VCF-style: chr12-32869024-C-T. GRCh37 (hg19) VCF-style: chr12-33021958-C-T.
Other names: c.1073G>A, p.Ser358Asn (NM_004572.4); short protein forms S358N.
Identifiers: ClinVar variation 882257 (VCV000882257.11), dbSNP rs1215591759, ClinGen allele CA384359737.

ClinVar aggregate classification (germline): Uncertain significance. Review status: criteria provided, multiple submitters, no conflicts (2 of 4 stars). 3 submissions from 3 submitters: Uncertain significance (3). Last evaluated 2023-12-05.

Conditions:
Cardiomyopathy (CMYO). Also called: Cardiomyopathies. Identifiers: Orphanet 167848, MedGen C0878544, MONDO:0004994, HP:0001638. Inheritance: Various modes of inheritance.
Arrhythmogenic right ventricular dysplasia 9 (ARVD9). Also called: Arrhythmogenic Right Ventricular Dysplasia/Cardiomyopathy 9; ARRHYTHMOGENIC RIGHT VENTRICULAR DYSPLASIA, FAMILIAL, 9. Identifiers: MedGen C1836906, MONDO:0012180, OMIM 609040.

Allele frequency attached by ClinVar (database versions not stated): gnomAD exomes below 0.00001; TOPMed 0.00001.
gnomAD v4.1: 1 of 1,613,826 alleles (0.000062%); highest among the groups gnomAD compares: East Asian, 0.0022%; no homozygotes.

Submissions (3):

Labcorp Genetics (formerly Invitae), Labcorp
Classification: Uncertain significance for Arrhythmogenic right ventricular dysplasia 9. Last evaluated: 2023-12-05. Review status: criteria provided, single submitter. Criteria: Invitae Variant Classification Sherloc (09022015). Collection method: clinical testing. Allele origin: germline.
Comment: This sequence change replaces serine, which is neutral and polar, with asparagine, which is neutral and polar, at codon 358 of the PKP2 protein (p.Ser358Asn). This variant is present in population databases (no rsID available, gnomAD 0.005%). This variant has not been reported in the literature in individuals affected with PKP2-related conditions. ClinVar contains an entry for this variant (Variation ID: 882257). Algorithms developed to predict the effect of missense changes on protein structure and function output the following: SIFT: "Not Available"; PolyPhen-2: "Benign"; Align-GVGD: "Not Available". The asparagine amino acid residue is found in multiple mammalian species, which suggests that this missense change does not adversely affect protein function. In summary, the available evidence is currently insufficient to determine the role of this variant in disease. Therefore, it has been classified as a Variant of Uncertain Significance.

Color Diagnostics, LLC DBA Color Health
Classification: Uncertain significance for Cardiomyopathy. Last evaluated: 2020-01-21. Review status: criteria provided, single submitter. Criteria: ACMG Guidelines, 2015. Collection method: clinical testing. Allele origin: germline.
Comment: This missense variant replaces serine with asparagine at codon 358 of the PKP2 protein. Computational prediction suggests that this variant may not impact protein structure and function (internally defined REVEL score threshold <= 0.5, PMID: 27666373). Splice site prediction tools suggest that this variant may not impact RNA splicing. To our knowledge, functional studies have not been performed for this variant. This variant has not been reported in individuals affected with cardiovascular disorders in the literature. This variant has not been identified in the general population by the Genome Aggregation Database (gnomAD). The available evidence is insufficient to determine the role of this variant in disease conclusively. Therefore, this variant is classified as a Variant of Uncertain Significance.

Illumina Laboratory Services, Illumina
Classification: Uncertain significance for Arrhythmogenic right ventricular dysplasia 9. Last evaluated: 2017-04-27. Review status: criteria provided, single submitter. Criteria: ICSL Variant Classification Criteria 13 December 2019. Collection method: clinical testing. Allele origin: germline.